The following is an entry in ClinVar:

NM_133259.4(LRPPRC):c.1748A>G (p.Tyr583Cys)

Gene: LRPPRC (leucine rich pentatricopeptide repeat containing; minus strand). Cytogenetic location: 2p21.
Variant type: single nucleotide variant.
Coding change: c.1748A>G on transcript NM_133259.4 (MANE Select); coding-DNA position 1748, A replaced by G.
Protein change: p.Tyr583Cys; replaces tyrosine 583 with cysteine.
Molecular consequence: missense variant.
Genome position (GRCh38, 1-based): chr2:43,948,506, T>C on the plus strand (A>G on the coding strand, the complement: LRPPRC is on the minus strand). VCF-style: chr2-43948506-T-C. GRCh37 (hg19) VCF-style: chr2-44175645-T-C.
Other names: short protein forms Y583C.
Identifiers: ClinVar variation 2139038 (VCV002139038.1), dbSNP rs376797015, ClinGen allele CA1638759.

ClinVar aggregate classification (germline): Uncertain significance (1 of 4 stars; one submission).

Allele frequency attached by ClinVar (database versions not stated): gnomAD exomes 0.00002; ExAC 0.00003; gnomAD 0.00005; ESP Exome Variant Server 0.00008; 1000 Genomes Project 30x 0.00016; 1000 Genomes Project 0.00020.
gnomAD v4.1: 35 of 1,574,574 alleles (0.0022%); highest among the groups gnomAD compares: African/African-American, 0.0054%; no homozygotes.

Submission:

Labcorp Genetics (formerly Invitae), Labcorp
Classification: Uncertain significance. Last evaluated: 2021-12-02. Review status: criteria provided, single submitter. Criteria: Invitae Variant Classification Sherloc (09022015). Collection method: clinical testing. Allele origin: germline.
Comment: This sequence change replaces tyrosine, which is neutral and polar, with cysteine, which is neutral and slightly polar, at codon 583 of the LRPPRC protein (p.Tyr583Cys). This variant is present in population databases (rs376797015, gnomAD 0.01%). This variant has not been reported in the literature in individuals affected with LRPPRC-related conditions. Algorithms developed to predict the effect of missense changes on protein structure and function are either unavailable or do not agree on the potential impact of this missense change (SIFT: "Tolerated"; PolyPhen-2: "Probably Damaging"; Align-GVGD: "Class C0"). In summary, the available evidence is currently insufficient to determine the role of this variant in disease. Therefore, it has been classified as a Variant of Uncertain Significance.